The following is an entry in ClinVar:

NM_138395.4(MARS2):c.329C>T (p.Pro110Leu)

Genes: MARS2 (methionyl-tRNA synthetase 2, mitochondrial; plus strand), LOC129935366 (ATAC-STARR-seq lymphoblastoid active region 16943; plus strand). Cytogenetic location: 2q33.1.
Variant type: single nucleotide variant.
Coding change: c.329C>T on transcript NM_138395.4 (MANE Select); coding-DNA position 329, C replaced by T.
Protein change: p.Pro110Leu; replaces proline 110 with leucine.
Molecular consequence: missense variant.
Genome position (GRCh38, 1-based): chr2:197,705,734, C>T. VCF-style: chr2-197705734-C-T. GRCh37 (hg19) VCF-style: chr2-198570458-C-T.
Other names: short protein forms P110L.
Identifiers: ClinVar variation 2911246 (VCV002911246.3), dbSNP rs773092990, ClinGen allele CA2044562.

ClinVar aggregate classification (germline): Uncertain significance (1 of 4 stars; one submission).

Allele frequency attached by ClinVar (database versions not stated): gnomAD exomes below 0.00001; TOPMed below 0.00001; ExAC 0.00001; gnomAD 0.00001.

Submission:

Labcorp Genetics (formerly Invitae), Labcorp
Classification: Uncertain significance. Last evaluated: 2023-06-09. Review status: criteria provided, single submitter. Criteria: Invitae Variant Classification Sherloc (09022015). Collection method: clinical testing. Allele origin: germline.
Comment: In summary, the available evidence is currently insufficient to determine the role of this variant in disease. Therefore, it has been classified as a Variant of Uncertain Significance. Advanced modeling of protein sequence and biophysical properties (such as structural, functional, and spatial information, amino acid conservation, physicochemical variation, residue mobility, and thermodynamic stability) performed at Invitae indicates that this missense variant is not expected to disrupt MARS2 protein function. This variant has not been reported in the literature in individuals affected with MARS2-related conditions. The frequency data for this variant in the population databases is considered unreliable, as metrics indicate poor data quality at this position in the gnomAD database. This sequence change replaces proline, which is neutral and non-polar, with leucine, which is neutral and non-polar, at codon 110 of the MARS2 protein (p.Pro110Leu).